The following is an entry in ClinVar:

NM_032444.4(SLX4):c.3308G>A (p.Arg1103His)

Gene: SLX4 (SLX4 structure-specific endonuclease subunit; minus strand). Cytogenetic location: 16p13.3.
Variant type: single nucleotide variant.
Coding change: c.3308G>A on transcript NM_032444.4 (MANE Select); coding-DNA position 3308, G replaced by A.
Protein change: p.Arg1103His; replaces arginine 1103 with histidine.
Molecular consequence: missense variant.
Genome position (GRCh38, 1-based): chr16:3,590,330, C>T on the plus strand (G>A on the coding strand, the complement: SLX4 is on the minus strand). VCF-style: chr16-3590330-C-T. GRCh37 (hg19) VCF-style: chr16-3640331-C-T.
Other names: c.3308G>A (NM_032444.3); short protein forms R1103H.
Identifiers: ClinVar variation 1509963 (VCV001509963.8), dbSNP rs201618094, ClinGen allele CA7865949.

ClinVar aggregate classification (germline): Uncertain significance. Review status: criteria provided, multiple submitters, no conflicts (2 of 4 stars). 4 submissions from 4 submitters: Uncertain significance (4). Last evaluated 2026-09-24.

Conditions:
Hereditary cancer-predisposing syndrome. Also called: Neoplastic Syndromes, Hereditary; Tumor predisposition; Hereditary neoplastic syndrome; Hereditary Cancer Syndrome. Identifiers: Orphanet 140162, MedGen C0027672, MeSH D009386, MONDO:0015356.
Fanconi anemia complementation group P. Also called: SLX4-Related Fanconi Anemia. Identifiers: Orphanet 84, MedGen C3469542, MONDO:0013499, OMIM 613951.
Fanconi anemia (FA). Also called: Fanconi's anemia. Identifiers: Orphanet 84, MedGen C0015625, MeSH D005199, MONDO:0019391.
SLX4-related disorder. Also called: SLX4-related condition.

Allele frequency attached by ClinVar (database versions not stated): gnomAD 0.00001; TOPMed 0.00001; gnomAD exomes 0.00002 and 0.00004; ExAC 0.00003.
gnomAD v4.1: 34 of 1,614,114 alleles (0.0021%); highest among the groups gnomAD compares: Admixed American, 0.005%; no homozygotes.

Submissions (4):

PreventionGenetics, part of Exact Sciences
Classification: Uncertain significance for SLX4-related condition. Last evaluated: 2026-09-24. Review status: criteria provided, single submitter. Criteria: ACMG Guidelines, 2015. Collection method: clinical testing. Allele origin: germline.
Comment: The SLX4 c.3308G>A variant is predicted to result in the amino acid substitution p.Arg1103His. To our knowledge, this variant has not been reported in the literature. This variant is reported in 0.0062% of alleles in individuals of European (Non-Finnish) descent in gnomAD. At this time, the clinical significance of this variant is uncertain due to the absence of conclusive functional and genetic evidence.

Molecular Diagnostics Laboratory, Catalan Institute of Oncology
Classification: Uncertain significance for Hereditary cancer-predisposing syndrome. Last evaluated: 2024-09-17. Review status: criteria provided, single submitter. Criteria: ACMG Guidelines, 2015. Collection method: clinical testing. Allele origin: germline.
Comment: BP4_Moderate c.3308G>A is located in exon 12 of the SLX4 gene, is predicted to result in the substitution of arginine by histidine at codon 1103, p.(Arg1103His). This variant is found in 7/1181686, with a filter allele frequency of 0.002% at 99% confidence in the gnomAD v2.1.1 database (European non-Finnish non-cancer data set). The SpliceAI algorithm predicts no significant impact on splicing and the REVEL meta-predictor score for this variant (0.079) suggests that it does not affect the protein function according to Pejaver 2022 thresholds (PMID: 36413997) (BP4_Moderate). To our knowledge, neither clinical data nor functional studies have been reported for this variant. Also, the variant has been identified in the ClinVar database (1x uncertain significance) but is not present in LOVD database. Based on currently available information, the variant c.3308G>A is classified as an uncertain significance variant according to ACMG guidelines.

Fulgent Genetics
Classification: Uncertain significance for Fanconi anemia complementation group P. Last evaluated: 2024-04-12. Review status: criteria provided, single submitter. Criteria: ACMG Guidelines, 2015. Collection method: clinical testing. Allele origin: germline.

Labcorp Genetics (formerly Invitae), Labcorp
Classification: Uncertain significance for Fanconi anemia. Last evaluated: 2023-10-30. Review status: criteria provided, single submitter. Criteria: Invitae Variant Classification Sherloc (09022015). Collection method: clinical testing. Allele origin: germline.
Comment: This sequence change replaces arginine, which is basic and polar, with histidine, which is basic and polar, at codon 1103 of the SLX4 protein (p.Arg1103His). This variant is present in population databases (rs201618094, gnomAD 0.006%). This variant has not been reported in the literature in individuals affected with SLX4-related conditions. ClinVar contains an entry for this variant (Variation ID: 1509963). Algorithms developed to predict the effect of missense changes on protein structure and function output the following: SIFT: "Not Available"; PolyPhen-2: "Benign"; Align-GVGD: "Not Available". The histidine amino acid residue is found in multiple mammalian species, which suggests that this missense change does not adversely affect protein function. In summary, the available evidence is currently insufficient to determine the role of this variant in disease. Therefore, it has been classified as a Variant of Uncertain Significance.